The following is an entry in ClinVar:

NM_000135.4(FANCA):c.518T>A (p.Ile173Lys)

Gene: FANCA (FA complementation group A; minus strand). Cytogenetic location: 16q24.3.
Variant type: single nucleotide variant.
Coding change: c.518T>A on transcript NM_000135.4 (MANE Select); coding-DNA position 518, T replaced by A.
Protein change: p.Ile173Lys; replaces isoleucine 173 with lysine.
Molecular consequence: missense variant. On other transcripts: intron variant (1).
Genome position (GRCh38, 1-based): chr16:89,810,711, A>T on the plus strand (T>A on the coding strand, the complement: FANCA is on the minus strand). VCF-style: chr16-89810711-A-T. GRCh37 (hg19) VCF-style: chr16-89877119-A-T.
Other names: c.518T>A, p.Ile173Lys (NM_001018112.3, NM_001286167.3); c.426+218T>A (NM_001351830.2); short protein forms I173K.
Identifiers: ClinVar variation 4619296 (VCV004619296.1).
Genomic context (GRCh38, chr16:89,810,711, plus strand): 5'-ATCAACAGAACATTGCCTGGAACACTGGAGAGTCAGATTTGCAATCTCAAATTTACCTGT[A>T]TTTTCCATAATTCTTGACAGAAGGAAAGACGGGAGAACATACTGTGTGCCAATAAATACT-3'
Protein context (NP_000126.2, residues 163-183): RLSFCQELWK[Ile173Lys]QSSLLLEAVW

ClinVar aggregate classification (germline): Uncertain significance (1 of 4 stars; one submission).

Conditions:
Inborn genetic diseases. Identifiers: MedGen C0950123, MeSH D030342.

Submission:

Ambry Genetics
Classification: Uncertain significance for Inborn genetic diseases. Last evaluated: 2025-11-28. Review status: criteria provided, single submitter. Criteria: Ambry Variant Classification Scheme 2023. Collection method: clinical testing. Allele origin: germline.
Comment: The p.I173K variant (also known as c.518T>A), located in coding exon 5 of the FANCA gene, results from a T to A substitution at nucleotide position 518. The isoleucine at codon 173 is replaced by lysine, an amino acid with dissimilar properties. This amino acid position is conserved. In addition, this alteration is predicted to be tolerated by in silico analysis. Based on the available evidence, the clinical significance of this variant remains unclear.